The following is an entry in ClinVar:

ClinVar aggregate classification (germline): Uncertain significance. Review status: criteria provided, multiple submitters, no conflicts (2 of 4 stars). 2 submissions from 2 submitters: Uncertain significance (2). Last evaluated 2023-12-28.

Conditions:
Senior-Loken syndrome 8 (SLSN8). Identifiers: Orphanet 3156, MedGen C4225376, MONDO:0014579, OMIM 616307.
Asphyxiating thoracic dystrophy 5 (SRTD5). Also called: SHORT-RIB THORACIC DYSPLASIA 5 WITH OR WITHOUT POLYDACTYLY; SHORT-RIB THORACIC DYSPLASIA 5 WITHOUT POLYDACTYLY. Identifiers: Orphanet 474, MedGen C3280598, MONDO:0013717, OMIM 614376.
Spermatogenic failure 72 (SPGF72). Identifiers: MedGen C5676980, MONDO:0030809, OMIM 619867.
Nephronophthisis 13 (NPHP13). Identifiers: Orphanet 655, MedGen C3280612, MONDO:0013718, OMIM 614377.
Cranioectodermal dysplasia 4 (CED4). Identifiers: Orphanet 1515, MedGen C3280616, MONDO:0013719, OMIM 614378.

Submissions (2):

Fulgent Genetics
Classification: Uncertain significance for Asphyxiating thoracic dystrophy 5; Nephronophthisis 13; Cranioectodermal dysplasia 4; Senior-Loken syndrome 8; Spermatogenic failure 72. Last evaluated: 2023-12-28. Review status: criteria provided, single submitter. Criteria: ACMG Guidelines, 2015. Collection method: clinical testing. Allele origin: germline.

Labcorp Genetics (formerly Invitae), Labcorp
Classification: Uncertain significance for Senior-Loken syndrome 8; Asphyxiating thoracic dystrophy 5. Last evaluated: 2020-03-03. Review status: criteria provided, single submitter. Criteria: Invitae Variant Classification Sherloc (09022015). Collection method: clinical testing. Allele origin: germline.
Comment: In summary, the available evidence is currently insufficient to determine the role of this variant in disease. Therefore, it has been classified as a Variant of Uncertain Significance. Algorithms developed to predict the effect of missense changes on protein structure and function (SIFT, PolyPhen-2, Align-GVGD) all suggest that this variant is likely to be tolerated, but these predictions have not been confirmed by published functional studies and their clinical significance is uncertain. This variant has not been reported in the literature in individuals with WDR19-related disease. This variant is not present in population databases (ExAC no frequency). This sequence change replaces isoleucine with threonine at codon 558 of the WDR19 protein (p.Ile558Thr). The isoleucine residue is highly conserved and there is a moderate physicochemical difference between isoleucine and threonine.

NM_025132.4(WDR19):c.1673T>C (p.Ile558Thr)

Gene: WDR19 (WD repeat domain 19; plus strand). Cytogenetic location: 4p14.
Variant type: single nucleotide variant.
Coding change: c.1673T>C on transcript NM_025132.4 (MANE Select); coding-DNA position 1673, T replaced by C.
Protein change: p.Ile558Thr; replaces isoleucine 558 with threonine.
Molecular consequence: missense variant.
Genome position (GRCh38, 1-based): chr4:39,228,253, T>C. VCF-style: chr4-39228253-T-C. GRCh37 (hg19) VCF-style: chr4-39229873-T-C.
Other names: c.1193T>C, p.Ile398Thr (NM_001317924.2); short protein forms I398T, I558T.
Identifiers: ClinVar variation 1004517 (VCV001004517.7), dbSNP rs1730480639, ClinGen allele CA356632641.